The following is an entry in ClinVar:

NM_133473.4(ZNF431):c.1447C>A (p.Pro483Thr)

Gene: ZNF431 (zinc finger protein 431; plus strand). Cytogenetic location: 19p12.
Variant type: single nucleotide variant.
Coding change: c.1447C>A on transcript NM_133473.4 (MANE Select); coding-DNA position 1447, C replaced by A.
Protein change: p.Pro483Thr; replaces proline 483 with threonine.
Molecular consequence: missense variant. On other transcripts: non-coding transcript variant (2).
Genome position (GRCh38, 1-based): chr19:21,183,750, C>A. VCF-style: chr19-21183750-C-A. GRCh37 (hg19) VCF-style: chr19-21366553-C-A.
Other names: c.1450C>A, p.Pro484Thr (NM_001319124.2); c.1174C>A, p.Pro392Thr (NM_001319126.2); c.1126C>A, p.Pro376Thr (NM_001319127.2); c.1447C>A (NM_133473.2); short protein forms P376T, P392T, P483T, P484T.
Identifiers: ClinVar variation 1337981 (VCV001337981.6), dbSNP rs749228437, ClinGen allele CA9338486.

ClinVar aggregate classification (germline): Uncertain significance. Review status: criteria provided, multiple submitters, no conflicts (2 of 4 stars). 3 submissions from 3 submitters: Uncertain significance (3). Last evaluated 2025-09-22.

Allele frequency attached by ClinVar (database versions not stated): gnomAD 0.00008 and 0.00007; ExAC 0.00003; gnomAD exomes 0.00005 and 0.00013; TOPMed 0.00006.
gnomAD v4.1: 193 of 1,613,636 alleles (0.012%); highest among the groups gnomAD compares: Non-Finnish European, 0.016%; no homozygotes.

Submissions (3):

Ambry Genetics
Classification: Uncertain significance. Last evaluated: 2025-09-22. Review status: criteria provided, single submitter. Criteria: Ambry Variant Classification Scheme 2023. Collection method: clinical testing. Allele origin: germline.

Genetic Services Laboratory, University of Chicago
Classification: Uncertain significance. Last evaluated: 2021-06-22. Review status: criteria provided, single submitter. Criteria: ACMG Guidelines, 2015. Collection method: clinical testing. Allele origin: germline. Affected: no.
Comment: DNA sequence analysis of the ZNF431 gene demonstrated a sequence change, c.1450C>A, in exon 5 that results in an amino acid change, p.Pro484Thr. This sequence change has been described in the gnomAD database with a population frequency of 0.011% in the non-Finnish European subpopulation (dbSNP rs749228437). The p.Pro484Thr change affects a highly conserved amino acid residue located in a domain of the ZNF431 protein that is not known to be functional. In-silico pathogenicity prediction tools (SIFT, PolyPhen2, Align GVGD, REVEL) provide contradictory results for the p.Pro484Thr substitution. This sequence change does not appear to have been previously described in patients with ZNF431-related disorders. Due to insufficient evidences and the lack of functional studies, the clinical significance of the p.Pro484Thr change remains unknown at this time

Breakthrough Genomics
Classification: Uncertain significance. Review status: criteria provided, single submitter. Criteria: ACMG Guidelines, 2015. Collection method: not provided. Allele origin: germline. Inheritance: Autosomal dominant inheritance. Affected: yes.